The following is an entry in ClinVar:

NM_001844.5(COL2A1):c.686AACCTGGTG[3] (p.Gly234_Val235insGluProGly)

Gene: COL2A1 (collagen type II alpha 1 chain; minus strand). Cytogenetic location: 12q13.11.
Variant type: Microsatellite.
Coding change: c.686AACCTGGTG[3] on transcript NM_001844.5 (MANE Select); three copies in a row of the 9-base unit AACCTGGTG starting at c.686; the reference has two copies in a row; one copy, 9 bases duplicated.
Protein change: p.Gly234_Val235insGluProGly.
Molecular consequence: inframe insertion.
Genome position (GRCh38, 1-based): chr12:47,995,715-47,995,723, CACCAGGTT duplicated on the plus strand (AACCTGGTG on the coding strand, the reverse complement: COL2A1 is on the minus strand); duplicating any 9 consecutive bases within chr12:47,995,715-47,995,739 gives the same sequence; the position shown is the placement nearest the transcript's 3' end. VCF-style (leftmost placement, unchanged base first): chr12-47995714-A-ACACCAGGTT. GRCh37 (hg19) VCF-style: chr12-48389497-A-ACACCAGGTT.
Other names: c.479AACCTGGTG[3], p.Gly165_Val166insGluProGly (NM_033150.3).
Identifiers: ClinVar variation 2856270 (VCV002856270.3), dbSNP rs776036012, ClinGen allele CA2618516022.

ClinVar aggregate classification (germline): Uncertain significance (1 of 4 stars; one submission).

Submission:

Labcorp Genetics (formerly Invitae), Labcorp
Classification: Uncertain significance. Last evaluated: 2023-04-15. Review status: criteria provided, single submitter. Criteria: Invitae Variant Classification Sherloc (09022015). Collection method: clinical testing. Allele origin: germline.
Comment: This variant is not present in population databases (gnomAD no frequency). This variant, c.695_703dup, results in the insertion of 3 amino acid(s) of the COL2A1 protein (p.Glu232_Gly234dup), but otherwise preserves the integrity of the reading frame. In summary, the available evidence is currently insufficient to determine the role of this variant in disease. Therefore, it has been classified as a Variant of Uncertain Significance. Experimental studies and prediction algorithms are not available or were not evaluated, and the functional significance of this variant is currently unknown. This variant has not been reported in the literature in individuals affected with COL2A1-related conditions.